The following is an entry in ClinVar:

NM_020791.4(TAOK1):c.749+6T>C

Gene: TAOK1 (TAO kinase 1; plus strand). Cytogenetic location: 17q11.2.
Variant type: single nucleotide variant.
Coding change: c.749+6T>C on transcript NM_020791.4 (MANE Select); 6 bases into the intron after coding-DNA position 749, T replaced by C.
Molecular consequence: intron variant.
Genome position (GRCh38, 1-based): chr17:29,489,763, T>C. VCF-style: chr17-29489763-T-C. GRCh37 (hg19) VCF-style: chr17-27816781-T-C.
Other names: c.749+6T>C (NM_025142.1).
Identifiers: ClinVar variation 2647612 (VCV002647612.24), dbSNP rs2508226504, ClinGen allele CA2695201310.

ClinVar aggregate classification (germline): Uncertain significance (1 of 4 stars; one submission).

Submission:

CeGaT Center for Human Genetics Tuebingen
Classification: Uncertain significance. Last evaluated: 2023-09-01. Review status: criteria provided, single submitter. Criteria: CeGaT Center For Human Genetics Tuebingen Variant Classification Criteria Version 2. Collection method: clinical testing. Allele origin: germline. Affected: yes. Observed: 1 variant allele.
Comment: TAOK1: PM2, PS2:Supporting, BP4